The following is an entry in ClinVar:

NM_001375524.1(TRRAP):c.6356_6358del (p.Thr2119del)

Gene: TRRAP (transformation/transcription domain associated protein; plus strand). Cytogenetic location: 7q22.1.
Variant type: Deletion.
Coding change: c.6356_6358del on transcript NM_001375524.1 (MANE Select); coding-DNA positions 6356 to 6358, 3 bases deleted (CCA; older notation c.6356_6358delCCA).
Protein change: p.Thr2119del; deletes threonine 2119.
Genome position (GRCh38, 1-based): chr7:98,959,357-98,959,359, CCA deleted; deleting any 3 consecutive bases within chr7:98,959,355-98,959,359 gives the same sequence; the c. name uses the placement nearest the transcript's 3' end. VCF-style (leftmost placement, unchanged base first): chr7-98959354-ACAC-A. GRCh37 (hg19) VCF-style: chr7-98556977-ACAC-A.
Other names: c.6335_6337del, p.Thr2112del (NM_001244580.2); c.6281_6283del, p.Thr2094del (NM_003496.4); short protein forms T2094del, T2112del, T2119del.
Identifiers: ClinVar variation 3778781 (VCV003778781.1).

ClinVar aggregate classification (germline): Likely pathogenic (1 of 4 stars; one submission).

Conditions:
Developmental delay with or without dysmorphic facies and autism. Identifiers: MedGen C5193106, MONDO:0032760, OMIM 618454.

Submission:

Daryl Scott Lab, Baylor College of Medicine
Classification: Likely pathogenic for Developmental delay with or without dysmorphic facies and autism. Last evaluated: 2024-04-01. Review status: criteria provided, single submitter. Criteria: ACMG Guidelines, 2015. Collection method: clinical testing. Allele origin: de novo. Observed: 1 heterozygote.
Comment: PS2, PM2